The following is an entry in ClinVar:

NM_001018113.3(FANCB):c.1654G>T (p.Val552Phe)

Gene: FANCB (FA complementation group B; minus strand). Cytogenetic location: Xp22.2.
Variant type: single nucleotide variant.
Coding change: c.1654G>T on transcript NM_001018113.3 (MANE Select); coding-DNA position 1654, G replaced by T.
Protein change: p.Val552Phe; replaces valine 552 with phenylalanine.
Molecular consequence: missense variant.
Genome position (GRCh38, 1-based): chrX:14,845,129, C>A on the plus strand (G>T on the coding strand, the complement: FANCB is on the minus strand). VCF-style: chrX-14845129-C-A. GRCh37 (hg19) VCF-style: chrX-14863251-C-A.
Other names: c.1654G>T, p.Val552Phe (NM_001324162.2, NM_001410764.1, NM_152633.4); short protein forms V552F.
Identifiers: ClinVar variation 1943948 (VCV001943948.5), dbSNP rs2518953904, ClinGen allele CA412440022.
Genomic context (GRCh38, chrX:14,845,129, plus strand): 5'-TCTTAGATGGGTGTTCACAAACAAAGCTTTCCTCTTTCTTGCTATCAGGGGTCAACGTGA[C>A]CCTTTTTGCTTCCAATCCTATTTCACATGGCATCAAGTATGGTGCTGGGAAAGGATTTGT-3'
Protein context (NP_001018123.1, residues 542-562): PCEIGLEAKR[Val552Phe]TLTPDSKKEE

ClinVar aggregate classification (germline): Uncertain significance (1 of 4 stars; one submission).

Conditions:
Fanconi anemia (FA). Also called: Fanconi's anemia. Identifiers: Orphanet 84, MedGen C0015625, MeSH D005199, MONDO:0019391.

Allele frequency attached by ClinVar (database versions not stated): gnomAD exomes below 0.00001.

Submission:

Labcorp Genetics (formerly Invitae), Labcorp
Classification: Uncertain significance for Fanconi anemia. Last evaluated: 2022-05-27. Review status: criteria provided, single submitter. Criteria: Invitae Variant Classification Sherloc (09022015). Collection method: clinical testing. Allele origin: germline.
Comment: Algorithms developed to predict the effect of missense changes on protein structure and function (SIFT, PolyPhen-2, Align-GVGD) all suggest that this variant is likely to be tolerated. In summary, the available evidence is currently insufficient to determine the role of this variant in disease. Therefore, it has been classified as a Variant of Uncertain Significance. This variant has not been reported in the literature in individuals affected with FANCB-related conditions. This sequence change replaces valine, which is neutral and non-polar, with phenylalanine, which is neutral and non-polar, at codon 552 of the FANCB protein (p.Val552Phe). This variant is not present in population databases (gnomAD no frequency).